The following is an entry in ClinVar:

NM_004863.4(SPTLC2):c.82G>A (p.Gly28Arg)

Gene: SPTLC2 (serine palmitoyltransferase long chain base subunit 2; minus strand). Cytogenetic location: 14q24.3.
Variant type: single nucleotide variant.
Coding change: c.82G>A on transcript NM_004863.4 (MANE Select); coding-DNA position 82, G replaced by A.
Protein change: p.Gly28Arg; replaces glycine 28 with arginine.
Molecular consequence: missense variant.
Genome position (GRCh38, 1-based): chr14:77,616,498, C>T on the plus strand (G>A on the coding strand, the complement: SPTLC2 is on the minus strand). VCF-style: chr14-77616498-C-T. GRCh37 (hg19) VCF-style: chr14-78082841-C-T.
Other names: short protein forms G28R.
Identifiers: ClinVar variation 3721012 (VCV003721012.2).

ClinVar aggregate classification (germline): Uncertain significance (1 of 4 stars; one submission).

Conditions:
Neuropathy, hereditary sensory and autonomic, type 1C. Also called: HSAN IC; HSN IC. Identifiers: Orphanet 36386, MedGen C3150896, MONDO:0013337, OMIM 613640.

gnomAD v4.1: 2 of 1,533,176 alleles (0.00013%); highest among the groups gnomAD compares: East Asian, 0.0025%; no homozygotes.

Submission:

Labcorp Genetics (formerly Invitae), Labcorp
Classification: Uncertain significance for Neuropathy, hereditary sensory and autonomic, type 1C. Last evaluated: 2026-01-14. Review status: criteria provided, single submitter. Criteria: Invitae Variant Classification Sherloc (09022015). Collection method: clinical testing. Allele origin: germline.
Comment: This sequence change replaces glycine, which is neutral and non-polar, with arginine, which is basic and polar, at codon 28 of the SPTLC2 protein (p.Gly28Arg). This variant is not present in population databases (gnomAD no frequency). This variant has not been reported in the literature in individuals affected with SPTLC2-related conditions. ClinVar contains an entry for this variant (Variation ID: 3721012). Invitae Evidence Modeling of protein sequence and biophysical properties (such as structural, functional, and spatial information, amino acid conservation, physicochemical variation, residue mobility, and thermodynamic stability) indicates that this missense variant is not expected to disrupt SPTLC2 protein function with a negative predictive value of 95%. Algorithms developed to predict the effect of sequence changes on RNA splicing suggest that this variant may create or strengthen a splice site. In summary, the available evidence is currently insufficient to determine the role of this variant in disease. Therefore, it has been classified as a Variant of Uncertain Significance.